The following is an entry in ClinVar:

NM_000535.7(PMS2):c.514G>A (p.Glu172Lys)

Gene: PMS2 (PMS1 homolog 2, mismatch repair system component; minus strand). Cytogenetic location: 7p22.1.
Variant type: single nucleotide variant.
Coding change: c.514G>A on transcript NM_000535.7 (MANE Select); coding-DNA position 514, G replaced by A.
Protein change: p.Glu172Lys; replaces glutamic acid 172 with lysine.
Molecular consequence: missense variant. On other transcripts: 5 prime UTR variant (2), non-coding transcript variant (1).
Genome position (GRCh38, 1-based): chr7:6,002,476, C>T on the plus strand (G>A on the coding strand, the complement: PMS2 is on the minus strand). VCF-style: chr7-6002476-C-T. GRCh37 (hg19) VCF-style: chr7-6042107-C-T.
Other names: c.109G>A, p.Glu37Lys (NM_001322003.2, NM_001322004.2, NM_001322005.2 and 3 more transcripts); c.514G>A, p.Glu172Lys (NM_001322006.2, NM_001322014.2); c.196G>A, p.Glu66Lys (NM_001322007.2, NM_001322008.2); c.-371G>A (NM_001322011.2, NM_001322012.2); c.205G>A, p.Glu69Lys (NM_001322015.2); short protein forms E172K, E37K, E66K, E69K.
Identifiers: ClinVar variation 233103 (VCV000233103.5), dbSNP rs876660196, ClinGen allele CA10578708.

ClinVar aggregate classification (germline): Uncertain significance (1 of 4 stars; one submission).

Conditions:
Hereditary cancer-predisposing syndrome. Also called: Neoplastic Syndromes, Hereditary; Tumor predisposition; Hereditary Cancer Syndrome; Hereditary neoplastic syndrome. Identifiers: Orphanet 140162, MedGen C0027672, MeSH D009386, MONDO:0015356.

Allele frequency attached by ClinVar (database versions not stated): gnomAD exomes below 0.00001.
gnomAD v4.1: 1 of 1,611,072 alleles (0.000062%); highest among the groups gnomAD compares: Non-Finnish European, 0.000085%; no homozygotes.

Submission:

Ambry Genetics
Classification: Uncertain significance for Hereditary cancer-predisposing syndrome. Last evaluated: 2020-02-26. Review status: criteria provided, single submitter. Criteria: Ambry Variant Classification Scheme 2023. Collection method: clinical testing. Allele origin: germline.
Comment: The p.E172K variant (also known as c.514G>A), located in coding exon 5 of the PMS2 gene, results from a G to A substitution at nucleotide position 514. The glutamic acid at codon 172 is replaced by lysine, an amino acid with similar properties. This amino acid position is highly conserved in available vertebrate species. In addition, this alteration is predicted to be deleterious by in silico analysis. Since supporting evidence is limited at this time, the clinical significance of this alteration remains unclear.